The following is an entry in ClinVar:

NM_001378454.1(ALMS1):c.163G>C (p.Asp55His)

Gene: ALMS1 (ALMS1 centrosome and basal body associated protein; plus strand). Cytogenetic location: 2p13.1.
Variant type: single nucleotide variant.
Coding change: c.163G>C on transcript NM_001378454.1 (MANE Select); coding-DNA position 163, G replaced by C.
Protein change: p.Asp55His; replaces aspartic acid 55 with histidine.
Molecular consequence: missense variant.
Genome position (GRCh38, 1-based): chr2:73,386,031, G>C. VCF-style: chr2-73386031-G-C. GRCh37 (hg19) VCF-style: chr2-73613159-G-C.
Other names: c.166G>C, p.Asp56His (NM_015120.4); short protein forms D55H, D56H.
Identifiers: ClinVar variation 4852802 (VCV004852802.1).

ClinVar aggregate classification (germline): Uncertain significance (1 of 4 stars; one submission).

Conditions:
Alstrom syndrome (ALMS). Identifiers: Orphanet 64, MedGen C0268425, MONDO:0008763, OMIM 203800.

Submission:

Clinical Genomics Laboratory, Stanford Medicine
Classification: Uncertain significance for Alstrom syndrome. Last evaluated: 2022-03-15. Review status: criteria provided, single submitter. Criteria: ACMG Guidelines, 2015. Collection method: clinical testing. Allele origin: germline. Observed: 1 variant allele, 1 heterozygote.
Comment: The p.Asp56His variant in the ALMS1 gene has not been previously reported in association with disease. This variant was absent from large population databases, including the Genome Aggregation Database. The aspartic acid at position 56 is poorly evolutionarily conserved. Computational tools predict that the p.Asp56His variant does not impact protein function; however, the accuracy of in silico algorithms is limited. These data were assessed using the ACMG/AMP variant interpretation guidelines. In summary, the significance of the p.Asp56His variant is uncertain. Additional information is needed to resolve the significance of this variant. [ACMG evidence codes used: PM2; BP4]